The following is an entry in ClinVar:

ClinVar aggregate classification (germline): Uncertain significance (1 of 4 stars; one submission).

Conditions:
Temtamy syndrome (TEMTYS). Also called: MENTAL RETARDATION WITH OR WITHOUT CRANIOFACIAL DYSMORPHISM, OCULAR COLOBOMA, OR ABNORMAL CORPUS CALLOSUM. Identifiers: Orphanet 1777, MedGen C1857512, MONDO:0009033, OMIM 218340.

gnomAD v4.1: 9 of 1,614,134 alleles (0.00056%); highest among the groups gnomAD compares: Admixed American, 0.01%; no homozygotes.

Submission:

Labcorp Genetics (formerly Invitae), Labcorp
Classification: Uncertain significance for Temtamy syndrome. Last evaluated: 2023-12-11. Review status: criteria provided, single submitter. Criteria: Invitae Variant Classification Sherloc (09022015). Collection method: clinical testing. Allele origin: germline.
Comment: This sequence change replaces alanine, which is neutral and non-polar, with proline, which is neutral and non-polar, at codon 10 of the C12orf57 protein (p.Ala10Pro). This variant is present in population databases (no rsID available, gnomAD 0.003%). This variant has not been reported in the literature in individuals affected with C12orf57-related conditions. ClinVar contains an entry for this variant (Variation ID: 583017). An algorithm developed to predict the effect of missense changes on protein structure and function (PolyPhen-2) suggests that this variant is likely to be disruptive. In summary, the available evidence is currently insufficient to determine the role of this variant in disease. Therefore, it has been classified as a Variant of Uncertain Significance.

NM_138425.4(C12orf57):c.28G>C (p.Ala10Pro)

Gene: C12orf57 (chromosome 12 open reading frame 57; plus strand). Cytogenetic location: 12p13.31.
Variant type: single nucleotide variant.
Coding change: c.28G>C on transcript NM_138425.4 (MANE Select); coding-DNA position 28, G replaced by C.
Protein change: p.Ala10Pro; replaces alanine 10 with proline.
Molecular consequence: missense variant. On other transcripts: 5 prime UTR variant (1), non-coding transcript variant (1), intron variant (1).
Genome position (GRCh38, 1-based): chr12:6,944,149, G>C. VCF-style: chr12-6944149-G-C. GRCh37 (hg19) VCF-style: chr12-7053312-G-C.
Other names: c.28G>C, p.Ala10Pro (NM_001301834.1, NM_001301837.2); c.-174G>C (NM_001301838.2); c.14-327G>C (NM_001301836.2); short protein forms A10P.
Identifiers: ClinVar variation 583017 (VCV000583017.4), dbSNP rs782077846, ClinGen allele CA383744175.
Genomic context (GRCh38, chr12:6,944,149, plus strand): 5'-TACCTCCGCTGAACCTAGAGCTTCAGACGCCCTATGGCGTCCGCCTCGACCCAACCGGCG[G>C]CCTTGAGCGCTGAGCAAGCAAAGGGTGAGAATCGTCCTAGTCAAGGCATAGGCTGCTGGC-3'
Protein context (NP_612434.1, residues 1-20): MASASTQPA[Ala10Pro]LSAEQAKVVL